The following is an entry in ClinVar:

NM_145331.3(MAP3K7):c.586A>G (p.Met196Val)

Gene: MAP3K7 (mitogen-activated protein kinase kinase kinase 7; minus strand). Cytogenetic location: 6q15.
Variant type: single nucleotide variant.
Coding change: c.586A>G on transcript NM_145331.3 (MANE Select); coding-DNA position 586, A replaced by G.
Protein change: p.Met196Val; replaces methionine 196 with valine.
Molecular consequence: missense variant.
Genome position (GRCh38, 1-based): chr6:90,556,521, T>C on the plus strand (A>G on the coding strand, the complement: MAP3K7 is on the minus strand). VCF-style: chr6-90556521-T-C. GRCh37 (hg19) VCF-style: chr6-91266240-T-C.
Other names: c.586A>G, p.Met196Val (NM_003188.4, NM_145332.3, NM_145333.3); short protein forms M196V.
Identifiers: ClinVar variation 5016791 (VCV005016791.1).

ClinVar aggregate classification (germline): Pathogenic (1 of 4 stars; one submission).

Submission:

GeneDx
Classification: Pathogenic. Last evaluated: 2026-04-02. Review status: criteria provided, single submitter. Criteria: GeneDx Variant Classification Process June 2021. Collection method: clinical testing. Allele origin: germline.
Comment: Published functional studies suggest a damaging effect: significantly lower MAP3K7 expression and phosphorylation of downstream targets than wildtype (PMID: 35730652); In silico analysis supports that this missense variant has a deleterious effect on protein structure/function; Not observed at significant frequency in large population cohorts (gnomAD); This variant is associated with the following publications: (PMID: 35730652)